The following is an entry in ClinVar:

NM_002692.4(POLE2):c.1282G>A (p.Val428Ile)

Gene: POLE2 (DNA polymerase epsilon 2, accessory subunit; minus strand). Cytogenetic location: 14q21.3.
Variant type: single nucleotide variant.
Coding change: c.1282G>A on transcript NM_002692.4 (MANE Select); coding-DNA position 1282, G replaced by A.
Protein change: p.Val428Ile; replaces valine 428 with isoleucine.
Molecular consequence: missense variant.
Genome position (GRCh38, 1-based): chr14:49,651,307, C>T on the plus strand (G>A on the coding strand, the complement: POLE2 is on the minus strand). VCF-style: chr14-49651307-C-T. GRCh37 (hg19) VCF-style: chr14-50118025-C-T.
Other names: c.1204G>A, p.Val402Ile (NM_001197330.2); c.1282G>A, p.Val428Ile (NM_001197331.3); c.1279G>A, p.Val427Ile (NM_001348384.2); c.1051G>A, p.Val351Ile (NM_001348385.2); short protein forms V402I, V427I, V351I, V428I.
Identifiers: ClinVar variation 1920491 (VCV001920491.6), dbSNP rs775358191, ClinGen allele CA7173322.

ClinVar aggregate classification (germline): Uncertain significance. Review status: criteria provided, multiple submitters, no conflicts (2 of 4 stars). 2 submissions from 2 submitters: Uncertain significance (2). Last evaluated 2023-06-15.

Allele frequency attached by ClinVar (database versions not stated): ExAC 0.00002; gnomAD 0.00002; gnomAD exomes 0.00002; TOPMed 0.00002.
gnomAD v4.1: 40 of 1,604,106 alleles (0.0025%); highest among the groups gnomAD compares: South Asian, 0.0099%; no homozygotes.

Submissions (2):

Labcorp Genetics (formerly Invitae), Labcorp
Classification: Uncertain significance. Last evaluated: 2023-06-15. Review status: criteria provided, single submitter. Criteria: Invitae Variant Classification Sherloc (09022015). Collection method: clinical testing. Allele origin: germline.
Comment: In summary, the available evidence is currently insufficient to determine the role of this variant in disease. Therefore, it has been classified as a Variant of Uncertain Significance. An algorithm developed to predict the effect of missense changes on protein structure and function (PolyPhen-2) suggests that this variant is likely to be tolerated. ClinVar contains an entry for this variant (Variation ID: 1920491). This variant has not been reported in the literature in individuals affected with POLE2-related conditions. This variant is present in population databases (rs775358191, gnomAD 0.007%). This sequence change replaces valine, which is neutral and non-polar, with isoleucine, which is neutral and non-polar, at codon 428 of the POLE2 protein (p.Val428Ile).

Blueprint Genetics
Classification: Uncertain significance. Last evaluated: 2021-07-14. Review status: criteria provided, single submitter. Criteria: ACMG Guidelines, 2015. Collection method: clinical testing. Allele origin: germline.